The following is an entry in ClinVar:

ClinVar aggregate classification (germline): Uncertain significance (1 of 4 stars; one submission).

Conditions:
Granulomatous disease, chronic, autosomal recessive, cytochrome b-negative. Also called: CGD DUE TO DEFICIENCY OF THE ALPHA SUBUNIT OF CYTOCHROME b; CGD, AUTOSOMAL RECESSIVE CYTOCHROME b-NEGATIVE; CYBA DEFICIENCY; GRANULOMATOUS DISEASE, CHRONIC, AUTOSOMAL RECESSIVE, 4; Chronic granulomatous disease, autosomal, due to deficiency of CYBA. Identifiers: Orphanet 379, MedGen C1856255, MONDO:0009308, OMIM 233690.

Allele frequency attached by ClinVar (database versions not stated): TOPMed below 0.00001.

Submission:

Labcorp Genetics (formerly Invitae), Labcorp
Classification: Uncertain significance for Granulomatous disease, chronic, autosomal recessive, cytochrome b-negative. Last evaluated: 2021-08-28. Review status: criteria provided, single submitter. Criteria: Invitae Variant Classification Sherloc (09022015). Collection method: clinical testing. Allele origin: germline.
Comment: In summary, the available evidence is currently insufficient to determine the role of this variant in disease. Therefore, it has been classified as a Variant of Uncertain Significance. Algorithms developed to predict the effect of sequence changes on RNA splicing suggest that this variant may create or strengthen a splice site. This variant has not been reported in the literature in individuals affected with CYBA-related conditions. The frequency data for this variant in the population databases is considered unreliable, as metrics indicate poor data quality at this position in the ExAC database. This sequence change creates a premature translational stop signal (p.Glu171*) in the CYBA gene. While this is not anticipated to result in nonsense mediated decay, it is expected to disrupt the last 25 amino acid(s) of the CYBA protein.

NM_000101.4(CYBA):c.511G>T (p.Glu171Ter)

Gene: CYBA (cytochrome b-245 alpha chain; minus strand). Cytogenetic location: 16q24.2.
Variant type: single nucleotide variant.
Coding change: c.511G>T on transcript NM_000101.4 (MANE Select); coding-DNA position 511, G replaced by T.
Protein change: p.Glu171Ter; replaces glutamic acid 171 with a stop codon.
Molecular consequence: nonsense.
Genome position (GRCh38, 1-based): chr16:88,643,430, C>A on the plus strand (G>T on the coding strand, the complement: CYBA is on the minus strand). VCF-style: chr16-88643430-C-A. GRCh37 (hg19) VCF-style: chr16-88709838-C-A.
Other names: short protein forms E171*.
Identifiers: ClinVar variation 1377389 (VCV001377389.6), dbSNP rs777768173, ClinGen allele CA8228187.
Genomic context (GRCh38, chr16:88,643,430, plus strand): 5'-TCACCGGGATGGGGTTGACCTGGGGACCTCCCGGGGGTCCCCCCGCCGCCACCGCAGCCT[C>A]CTCCTCGCTGGGCTTCTTGCGGGCCTCGGCCGGGGGCCGCGGCGGGGGGTTGCTGGGCGG-3'